The following is an entry in ClinVar:

NM_020822.3(KCNT1):c.2882G>A (p.Arg961His)

Gene: KCNT1 (potassium sodium-activated channel subfamily T member 1; plus strand). Cytogenetic location: 9q34.3.
Variant type: single nucleotide variant.
Coding change: c.2882G>A on transcript NM_020822.3 (MANE Select); coding-DNA position 2882, G replaced by A.
Protein change: p.Arg961His; replaces arginine 961 with histidine.
Molecular consequence: missense variant.
Genome position (GRCh38, 1-based): chr9:135,784,064, G>A. VCF-style: chr9-135784064-G-A. GRCh37 (hg19) VCF-style: chr9-138675910-G-A.
Other names: c.2747G>A, p.Arg916His (NM_001272003.2); short protein forms R961H, R916H.
Identifiers: ClinVar variation 129360 (VCV000129360.30), dbSNP rs200694691, ClinGen allele CA231208.

ClinVar aggregate classification (germline): Conflicting classifications of pathogenicity. Review status: criteria provided, conflicting classifications (1 of 4 stars). 11 submissions from 11 submitters: Pathogenic (4); Likely pathogenic (1); Uncertain significance (6). Last evaluated 2026-01-21.

Conditions:
Developmental and epileptic encephalopathy, 14 (DEE14). Also called: Early infantile epileptic encephalopathy 14. Identifiers: Orphanet 293181, MedGen C3554195, MONDO:0013989, OMIM 614959.
Autosomal dominant nocturnal frontal lobe epilepsy 5. Also called: CILIARY DYSKINESIA, PRIMARY, 28, WITHOUT SITUS INVERSUS; Epilepsy, nocturnal frontal lobe, 5; KCNT1-Related Epilepsy; CILIARY DYSKINESIA, PRIMARY, 28, WITH SITUS INVERSUS. Identifiers: Orphanet 98784, MedGen C3554306, MONDO:0014002, OMIM 615005.
Focal epilepsy. Also called: partial epilepsy. Identifiers: MedGen C0014547, MeSH D004828, MONDO:0005384.
KCNT1-related disorder. Also called: KCNT1-related condition.
Inborn genetic diseases. Identifiers: MedGen C0950123, MeSH D030342.

Allele frequency attached by ClinVar (database versions not stated): gnomAD exomes below 0.00001.
gnomAD v4.1: 1 of 1,604,852 alleles (0.000062%); highest among the groups gnomAD compares: Non-Finnish European, 0.000085%; no homozygotes.

Submissions (11):

GeneDx
Classification: Pathogenic. Last evaluated: 2026-01-21. Review status: criteria provided, single submitter. Criteria: GeneDx Variant Classification Process June 2021. Collection method: clinical testing. Allele origin: germline. Affected: yes.
Comment: Identified in individuals with developmental and epileptic encephalopathy and individuals with nocturnal frontal lobe epilepsy in published literature (PMID: 29186148, 34114611, 34537872); In silico analysis supports that this missense variant has a deleterious effect on protein structure/function; Not observed at significant frequency in large population cohorts (gnomAD); This variant is associated with the following publications: (PMID: 30234941, 35940594, 35116000, 32167590, 31054119, 34114611, 36499459, 34537872, 37177976, 29186148)

Labcorp Genetics (formerly Invitae), Labcorp
Classification: Pathogenic for Autosomal dominant nocturnal frontal lobe epilepsy 5; Developmental and epileptic encephalopathy, 14. Last evaluated: 2025-02-10. Review status: criteria provided, single submitter. Criteria: Invitae Variant Classification Sherloc (09022015). Collection method: clinical testing. Allele origin: germline.
Comment: This sequence change replaces arginine, which is basic and polar, with histidine, which is basic and polar, at codon 961 of the KCNT1 protein (p.Arg961His). This variant is not present in population databases (gnomAD no frequency). This missense change has been observed in individual(s) with KCNT1-related conditions (PMID: 29186148, 34114611; internal data). In at least one individual the variant was observed to be de novo. ClinVar contains an entry for this variant (Variation ID: 129360). Invitae Evidence Modeling of protein sequence and biophysical properties (such as structural, functional, and spatial information, amino acid conservation, physicochemical variation, residue mobility, and thermodynamic stability) indicates that this missense variant is not expected to disrupt KCNT1 protein function with a negative predictive value of 80%. For these reasons, this variant has been classified as Pathogenic.

Blueprint Genetics
Classification: Pathogenic for KCNT1-related disorders. Last evaluated: 2024-03-07. Review status: criteria provided, single submitter. Criteria: ACMG Guidelines, 2015. Collection method: clinical testing. Allele origin: germline. Affected: yes. Observed: 4 variant alleles.

Institute of Human Genetics, University of Leipzig Medical Center
Classification: Uncertain significance for Developmental and epileptic encephalopathy, 14. Last evaluated: 2022-05-17. Review status: criteria provided, single submitter. Criteria: ACMG Guidelines, 2015. Collection method: clinical testing. Allele origin: unknown. Affected: yes.
Comment: Despite strong evidence for its pathogenicity, this variant has to be classified as of unknown significance, according to the ACMG-criteria (Richards et al., 2015)_x000D_ Criteria applied: PS4_MOD, PM2_SUP, PP3

Baylor Genetics
Classification: Pathogenic for Developmental and epileptic encephalopathy, 14. Last evaluated: 2022-03-09. Review status: criteria provided, single submitter. Criteria: ACMG Guidelines, 2015. Collection method: clinical testing. Allele origin: unknown.

Eurofins Ntd Llc (ga)
Classification: Uncertain significance. Last evaluated: 2018-08-14. Review status: criteria provided, single submitter. Criteria: EGL ClinVar v180209 classification definitions. Collection method: clinical testing. Allele origin: germline. Observed: 1 variant allele, 1 heterozygote.

Athena Diagnostics
Classification: Uncertain significance. Last evaluated: 2017-11-24. Review status: criteria provided, single submitter. Criteria: Athena Diagnostics Criteria. Collection method: clinical testing. Allele origin: germline.

Ambry Genetics
Classification: Uncertain significance for Inborn genetic diseases. Last evaluated: 2017-11-03. Review status: criteria provided, single submitter. Criteria: Ambry Variant Classification Scheme 2023. Collection method: clinical testing. Allele origin: germline.
Comment: The p.R961H variant (also known as c.2882G>A), located in coding exon 25 of the KCNT1 gene, results from a G to A substitution at nucleotide position 2882. The arginine at codon 961 is replaced by histidine, an amino acid with highly similar properties. This amino acid position is highly conserved in available vertebrate species. In addition, this alteration is predicted to be deleterious by in silico analysis. Since supporting evidence is limited at this time, the clinical significance of this alteration remains unclear.

Neurogenetics Laboratory - MEYER, AOU Meyer
Classification: Uncertain significance for Focal epilepsy. Last evaluated: 2016-11-16. Review status: criteria provided, single submitter. Criteria: ACMG Guidelines, 2015. Collection method: clinical testing. Allele origin: unknown. Affected: yes. Observed: 1 heterozygote.

Genetic Services Laboratory, University of Chicago
Classification: Uncertain significance. Last evaluated: 2013-10-09. Review status: criteria provided, single submitter. Criteria: ACMG Guidelines, 2007. Collection method: clinical testing. Allele origin: germline. Inheritance: Autosomal dominant inheritance.

Neuberg Centre For Genomic Medicine, NCGM
Classification: Likely pathogenic for Autosomal dominant nocturnal frontal lobe epilepsy 5. Review status: criteria provided, single submitter. Criteria: ACMG Guidelines, 2015. Collection method: clinical testing. Allele origin: germline. Inheritance: Autosomal dominant inheritance. Affected: yes.
Comment: The KCNT1 missense c.2882G>A variant has been reported in individuals affected with Epilepsy nocturnal frontal lobe, 5 (Borlot F et. al., 2020; Zhu X et. al., 2017) and it has been observed de novo in at least one of these individuals. This variant has been reported to the ClinVar database as Conflicting interpretations of pathogenicity (Likely pathogenic and Variant of uncertain significance). The p.Arg961His variant is novel (not in any individuals) in gnomAD Exomes and 1000 Genomes. The amino acid Arg at position 961 is changed to a His changing protein sequence and it might alter its composition and physicochemical properties. The variant is predicted to be damaging by PolyPhen2 and the residue is conserved across species. The amino acid change p.Arg961His in KCNT1 is predicted as conserved by GERP++ and PhyloP across 100 vertebrates. The currently available evidence indicates that the variant is Pathogenic, but additional data are needed to prove that conclusively. For these reasons, this variant has been classified as Likely Pathogenic.

Literature cited by the submitters: PubMed 29186148 (cited by Labcorp Genetics (formerly Invitae), Labcorp and Ambry Genetics); PubMed 34114611 (cited by Labcorp Genetics (formerly Invitae), Labcorp).